The following is an entry in ClinVar:

ClinVar aggregate classification (germline): Pathogenic. Review status: criteria provided, multiple submitters, no conflicts (2 of 4 stars). 2 submissions from 2 submitters: Pathogenic (2). Last evaluated 2024-02-22.

Conditions:
Polycystic kidney disease, adult type (PKD1). Also called: Polycystic Kidney, Autosomal Dominant; POLYCYSTIC KIDNEY DISEASE, ADULT, TYPE I; Polycystic Kidney Disease 1, Autosomal Dominant; Polycystic kidney disease 1; Polycystic kidney disease 1, severe; POLYCYSTIC KIDNEY DISEASE 1 WITH OR WITHOUT POLYCYSTIC LIVER DISEASE. Identifiers: MedGen C3149841, MONDO:0008263, OMIM 173900.

Submissions (2):

Fulgent Genetics
Classification: Pathogenic for Polycystic kidney disease, adult type. Last evaluated: 2024-02-22. Review status: criteria provided, single submitter. Criteria: ACMG Guidelines, 2015. Collection method: clinical testing. Allele origin: germline.

Juno Genomics, Hangzhou Juno Genomics, Inc
Classification: Pathogenic for Polycystic kidney disease, adult type. Review status: criteria provided, single submitter. Criteria: ACMG Guidelines, 2015. Collection method: clinical testing. Allele origin: germline. Affected: yes.
Comment: Absent from controls (or at extremely low frequency if recessive) in Genome Aggregation Database.;Null variant in a gene where loss of function (LOF) is a known mechanism of disease.;The prevalence of the variant in affected individuals is significantly increased compared to the prevalence in controls.;Patient's phenotype or family history is highly specific for a disease with a single genetic etiology.

NM_001009944.3(PKD1):c.1930G>T (p.Gly644Ter)

Gene: PKD1 (polycystin 1, transient receptor potential channel interacting; minus strand). Cytogenetic location: 16p13.3.
Variant type: single nucleotide variant.
Coding change: c.1930G>T on transcript NM_001009944.3 (MANE Select); coding-DNA position 1930, G replaced by T.
Protein change: p.Gly644Ter; replaces glycine 644 with a stop codon.
Molecular consequence: nonsense.
Genome position (GRCh38, 1-based): chr16:2,115,545, C>A on the plus strand (G>T on the coding strand, the complement: PKD1 is on the minus strand). VCF-style: chr16-2115545-C-A. GRCh37 (hg19) VCF-style: chr16-2165546-C-A.
Other names: c.1930G>T, p.Gly644Ter (NM_000296.4); short protein forms G644*.
Identifiers: ClinVar variation 3579711 (VCV003579711.2).